The following is an entry in ClinVar:

ClinVar aggregate classification (germline): Benign/Likely benign. Review status: criteria provided, multiple submitters, no conflicts (2 of 4 stars). 28 submissions from 28 submitters: Benign (17); Likely benign (5). 6 of the submissions do not count toward it. Last evaluated 2026-04-01.

Conditions:
Classic or attenuated familial adenomatous polyposis. Identifiers: MedGen CN372698, MONDO:0021057.
Hereditary cancer-predisposing syndrome. Also called: Tumor predisposition; Neoplastic Syndromes, Hereditary; Hereditary Cancer Syndrome; Hereditary neoplastic syndrome. Identifiers: Orphanet 140162, MedGen C0027672, MeSH D009386, MONDO:0015356.
Desmoid disease, hereditary (DESMD). Also called: FIBROMATOSIS, FAMILIAL INFILTRATIVE. Identifiers: Orphanet 873, MedGen C1851124, OMIM 135290. Disease mechanism: loss of function.
Familial adenomatous polyposis 1 (FAP1). Also called: FAMILIAL ADENOMATOUS POLYPOSIS 1, ATTENUATED; POLYPOSIS, ADENOMATOUS INTESTINAL. Identifiers: MedGen C2713442, MONDO:0021056, OMIM 175100. Disease mechanism: loss of function.
Familial multiple polyposis syndrome (FAP). Also called: Classic familial adenomatous polyposis; Familial adenomatous polyposis; Familial intestinal polyposis; Familial polyposis; Familial Adenomatous Polyposis (FAP). Identifiers: Orphanet 733, MedGen C0032580, MONDO:0021055. Disease mechanism: loss of function.

Submissions (28):

CeGaT Center for Human Genetics Tuebingen
Classification: Likely benign. Last evaluated: 2026-04-01. Review status: criteria provided, single submitter. Criteria: CeGaT Center For Human Genetics Tuebingen Variant Classification Criteria Version 2. Collection method: clinical testing. Allele origin: germline. Affected: yes. Observed: 4 variant alleles.
Comment: APC: PM4:Supporting, BS1

Labcorp Genetics (formerly Invitae), Labcorp
Classification: Benign for Familial adenomatous polyposis 1. Last evaluated: 2026-02-03. Review status: criteria provided, single submitter. Criteria: Invitae Variant Classification Sherloc (09022015). Collection method: clinical testing. Allele origin: germline.

Mayo Clinic Laboratories, Mayo Clinic
Classification: Benign. Last evaluated: 2025-06-11. Review status: criteria provided, single submitter. Criteria: ACMG Guidelines, 2015. Collection method: clinical testing. Allele origin: germline. Observed: 6 variant alleles.
Comment: BA1

ARUP Laboratories, Molecular Genetics and Genomics, ARUP Laboratories
Classification: Benign. Last evaluated: 2025-05-27. Review status: criteria provided, single submitter. Criteria: ARUP Molecular Germline Variant Investigation Process 2024. Collection method: clinical testing. Allele origin: germline.

Center for Genomic Medicine, Rigshospitalet, Copenhagen University Hospital
Classification: Likely benign. Last evaluated: 2025-03-04. Review status: criteria provided, single submitter. Criteria: ACMG Guidelines, 2015. Collection method: clinical testing. Allele origin: germline.

Blueprint Genetics
Classification: Likely benign. Last evaluated: 2024-11-07. Review status: criteria provided, single submitter. Criteria: ACMG Guidelines, 2015. Collection method: clinical testing. Allele origin: germline.

Color Diagnostics, LLC DBA Color Health
Classification: Benign for Hereditary cancer-predisposing syndrome. Last evaluated: 2024-09-20. Review status: criteria provided, single submitter. Criteria: ACMG Guidelines, 2015. Collection method: clinical testing. Allele origin: germline.

Department of Pathology and Laboratory Medicine, Sinai Health System
Classification: Likely benign for Familial adenomatous polyposis 1; Desmoid disease, hereditary. Last evaluated: 2024-07-03. Review status: criteria provided, single submitter. Criteria: ACMG Guidelines, 2015. Collection method: clinical testing. Allele origin: germline. Affected: yes.

Myriad Genetics, Inc.
Classification: Likely benign for Familial adenomatous polyposis 1. Last evaluated: 2024-03-20. Review status: criteria provided, single submitter. Criteria: Myriad Autosomal Dominant, Autosomal Recessive and X-Linked Classification Criteria (2023). Collection method: clinical testing. Allele origin: unknown.
Comment: This variant is considered likely benign. This variant has been observed at a population frequency that is significantly greater than expected given the associated disease prevalence and penetrance.

All of Us Research Program, National Institutes of Health
Classification: Benign for Classic or attenuated familial adenomatous polyposis. Last evaluated: 2024-02-05. Review status: criteria provided, single submitter. Criteria: ACMG Guidelines, 2015. Collection method: clinical testing. Allele origin: germline. Inheritance: Autosomal dominant inheritance. Observed: 268 variant alleles, 268 heterozygotes.
Comment: actually g.112174759_112174761del, c.3468_3470del, p.E1157del was c.3460_3462del, p.1154_1154del

This study involves interpretation of variants in research participants for the purpose of population health screening. Participant phenotype was not available at the time of variant classification. Additional details can be found in publication PMID: 35346344, PMCID: PMC8962531

Institute for Biomarker Research, Medical Diagnostic Laboratories, L.L.C.
Classification: Benign for Hereditary cancer-predisposing syndrome. Last evaluated: 2023-05-16. Review status: criteria provided, single submitter. Criteria: ACMG Guidelines, 2015. Collection method: clinical testing. Allele origin: germline.

Quest Diagnostics Nichols Institute San Juan Capistrano
Classification: Benign. Last evaluated: 2022-10-21. Review status: criteria provided, single submitter. Criteria: Quest Diagnostics criteria. Collection method: clinical testing. Allele origin: unknown.

St. Jude Molecular Pathology, St. Jude Children's Research Hospital
Classification: Benign for Familial adenomatous polyposis 1. Last evaluated: 2021-08-02. Review status: criteria provided, single submitter. Criteria: St. Jude Assertion Criteria 2020. Collection method: clinical testing. Allele origin: germline.

Genetic Services Laboratory, University of Chicago
Classification: Benign. Last evaluated: 2020-08-31. Review status: criteria provided, single submitter. Criteria: ACMG Guidelines, 2015. Collection method: clinical testing. Allele origin: germline. Affected: no.

Sema4
Classification: Benign for Hereditary cancer-predisposing syndrome. Last evaluated: 2020-08-11. Review status: criteria provided, single submitter. Criteria: Sema4 Curation Guidelines. Collection method: curation. Allele origin: germline.

Mendelics
Classification: Benign for Familial adenomatous polyposis 1. Last evaluated: 2018-07-02. Review status: criteria provided, single submitter. Criteria: Mendelics Assertion Criteria 2017. Collection method: clinical testing. Allele origin: unknown.

GeneDx
Classification: Benign. Last evaluated: 2018-03-29. Review status: criteria provided, single submitter. Criteria: GeneDx Variant Classification Process June 2021. Collection method: clinical testing. Allele origin: germline. Affected: yes.
Comment: This variant is associated with the following publications: (PMID: 22703879, 21488257, 24599579, 27153395, 24345752, 24113346, 29367705)

PreventionGenetics, part of Exact Sciences
Classification: Benign. Last evaluated: 2017-05-30. Review status: criteria provided, single submitter. Criteria: ACMG Guidelines, 2015. Collection method: clinical testing. Allele origin: germline.

Women's Health and Genetics/Laboratory Corporation of America, LabCorp
Classification: Benign. Last evaluated: 2016-12-05. Review status: criteria provided, single submitter. Criteria: LabCorp Variant Classification Summary - May 2015. Collection method: clinical testing. Allele origin: germline.
Comment: Variant summary: The APC c.3468_3470delAGA (p.Glu1157del) variant causes deletion of a Glutamic acid in a run of 4 repetitive Glutamic acids. This variant was found in 148/121852 control chromosomes (1 homozygote), predominantly observed in the African subpopulation at a frequency of 0.0130777 (133/10170). This frequency is about 183 times the estimated maximal expected allele frequency of a pathogenic APC variant (0.0000714), suggesting this is likely a benign polymorphism found primarily in the populations of African origin. The variant of interest has been reported in patients with familial adenomatous polyposis including co-occurrences with other potentially pathogenic variants (Grandval_2014), supporting for the benign outcome. In addition, multiple clinical diagnostic laboratories/reputable databases have classified this variant as likely benign/benign. Taken together, this variant is classified as Benign.

Eurofins Ntd Llc (ga)
Classification: Benign. Last evaluated: 2016-11-23. Review status: criteria provided, single submitter. Criteria: EGL Classification Definitions 2015. Collection method: clinical testing. Allele origin: germline. Observed: 1 variant allele, 1 heterozygote.

Genomic Diagnostic Laboratory, Division of Genomic Diagnostics, Children's Hospital of Philadelphia
Classification: Benign for Adenomatous polyposis coli. Last evaluated: 2015-11-30. Review status: criteria provided, single submitter. Criteria: DGD Variant Analysis Guidelines. Collection method: clinical testing. Allele origin: unknown.

Ambry Genetics
Classification: Benign for Hereditary cancer-predisposing syndrome. Last evaluated: 2014-12-09. Review status: criteria provided, single submitter. Criteria: Ambry Variant Classification Scheme 2023. Collection method: clinical testing. Allele origin: germline.

True Health Diagnostics
Classification: Likely benign for Hereditary cancer-predisposing syndrome. Last evaluated: 2017-10-25. Review status: no assertion criteria provided. Collection method: clinical testing. Allele origin: germline. Not counted in ClinVar's aggregate classification.

Pathway Genomics
Classification: Likely benign for Adenomatous polyposis coli. Last evaluated: 2014-07-24. Review status: no assertion criteria provided. Collection method: clinical testing. Allele origin: germline. Not counted in ClinVar's aggregate classification.

Biesecker Lab/Clinical Genomics Section, National Institutes of Health
Classification: Uncertain significance. Last evaluated: 2012-07-13. Review status: no assertion criteria provided. Collection method: research. Allele origin: germline. Affected: no. Observed: 1 variant allele. Study: ClinSeq. Not counted in ClinVar's aggregate classification.
ClinVar note: Converted during submission from variant of unknown significance to Uncertain significance.

Clinical Genetics, Academic Medical Center
Classification: Likely benign. Review status: no assertion criteria provided. Collection method: clinical testing. Allele origin: germline. Affected: yes. Study: VKGL Data-share Consensus. Not counted in ClinVar's aggregate classification.

Genome Diagnostics Laboratory, Amsterdam University Medical Center
Classification: Benign. Review status: no assertion criteria provided. Collection method: clinical testing. Allele origin: germline. Affected: yes. Study: VKGL Data-share Consensus. Not counted in ClinVar's aggregate classification.

Genome Diagnostics Laboratory, University Medical Center Utrecht
Classification: Benign. Review status: no assertion criteria provided. Collection method: clinical testing. Allele origin: germline. Affected: yes. Study: VKGL Data-share Consensus. Not counted in ClinVar's aggregate classification.

Literature cited by the submitters: PubMed 29367705 (cited by Quest Diagnostics Nichols Institute San Juan Capistrano); PubMed 21488256 (cited by Quest Diagnostics Nichols Institute San Juan Capistrano); PubMed 24599579 (cited by Quest Diagnostics Nichols Institute San Juan Capistrano and Women's Health and Genetics/Laboratory Corporation of America, LabCorp); PubMed 27153395 (cited by Quest Diagnostics Nichols Institute San Juan Capistrano); PubMed 11370631 (cited by Women's Health and Genetics/Laboratory Corporation of America, LabCorp).

NM_000038.6(APC):c.3462AGA[2] (p.Glu1157del)

Gene: APC (APC regulator of Wnt signaling pathway; plus strand). Cytogenetic location: 5q22.2.
Variant type: Microsatellite.
Coding change: c.3462AGA[2] on transcript NM_000038.6 (MANE Select); two copies in a row of the 3-base unit AGA starting at c.3462; the reference has three copies in a row; one copy, 3 bases deleted; also written c.3468_3470del.
Protein change: p.Glu1157del; deletes glutamic acid 1157.
Molecular consequence: inframe deletion.
Genome position (GRCh38, 1-based): chr5:112,839,062-112,839,064, AGA deleted; deleting any 3 consecutive bases within chr5:112,839,054-112,839,064 gives the same sequence; the position shown is the placement nearest the transcript's 3' end. VCF-style (leftmost placement, unchanged base first): chr5-112839053-TGAA-T. GRCh37 (hg19) VCF-style: chr5-112174750-TGAA-T.
Other names: CCDS4107.1:c.3468_3470delAGA; c.3460_3462delGAA (NM_000038.5); c.3462AGA[2], p.Glu1157del (NM_001127510.3, NM_001354895.2); c.3408AGA[2], p.Glu1139del (NM_001127511.3); c.3516AGA[2], p.Glu1175del (NM_001354896.2); c.3492AGA[2], p.Glu1167del (NM_001354897.2); c.3387AGA[2], p.Glu1132del (NM_001354898.2); c.3378AGA[2], p.Glu1129del (NM_001354899.2); and 9 more; short protein forms E1157del, E1139del, E1132del, E997del, E1066del, E1129del, E1167del, E1175del.
Identifiers: ClinVar variation 41527 (VCV000041527.70), dbSNP rs386833391, ClinGen allele CA008388.
Genomic context (GRCh38, chr5:112,839,053, plus strand): 5'-TGACTATGAAGATGATAAGCCTACCAATTATAGTGAACGTTACTCTGAAGAAGAACAGCA[TGAA>T]GAAGAAGAGAGACCAACAAATTATAGCATAAAATATAATGAAGAGAAACGTCATGTGGAT-3'